The following is an entry in ClinVar:

NM_015046.7(SETX):c.1612C>G (p.Leu538Val)

Gene: SETX (senataxin; minus strand). Cytogenetic location: 9q34.13.
Variant type: single nucleotide variant.
Coding change: c.1612C>G on transcript NM_015046.7 (MANE Select); coding-DNA position 1612, C replaced by G.
Protein change: p.Leu538Val; replaces leucine 538 with valine.
Molecular consequence: missense variant.
Genome position (GRCh38, 1-based): chr9:132,329,986, G>C on the plus strand (C>G on the coding strand, the complement: SETX is on the minus strand). VCF-style: chr9-132329986-G-C. GRCh37 (hg19) VCF-style: chr9-135205373-G-C.
Other names: c.1612C>G, p.Leu538Val (NM_001351527.2, NM_001351528.2); short protein forms L538V.
Identifiers: ClinVar variation 3365829 (VCV003365829.1).

ClinVar aggregate classification (germline): Uncertain significance (1 of 4 stars; one submission).

Submission:

GeneDx
Classification: Uncertain significance. Last evaluated: 2024-01-04. Review status: criteria provided, single submitter. Criteria: GeneDx Variant Classification Process June 2021. Collection method: clinical testing. Allele origin: germline. Affected: yes.
Comment: Not observed at significant frequency in large population cohorts (gnomAD); In silico analysis supports that this missense variant does not alter protein structure/function; Has not been previously published as pathogenic or benign to our knowledge